The following is an entry in ClinVar:

ClinVar aggregate classification (germline): Likely benign (1 of 4 stars; one submission).

Submission:

CeGaT Center for Human Genetics Tuebingen
Classification: Likely benign. Last evaluated: 2025-08-01. Review status: criteria provided, single submitter. Criteria: CeGaT Center For Human Genetics Tuebingen Variant Classification Criteria Version 2. Collection method: clinical testing. Allele origin: germline. Affected: yes. Observed: 1 variant allele.
Comment: UBC: BP4, BP7

NM_021009.7(UBC):c.1359T>C (p.Leu453=)

Gene: UBC (ubiquitin C; minus strand). Cytogenetic location: 12q24.31.
Variant type: single nucleotide variant.
Coding change: c.1359T>C on transcript NM_021009.7 (MANE Select); coding-DNA position 1359, T replaced by C.
Protein change: p.Leu453=; no amino-acid change (leucine 453 retained).
Molecular consequence: synonymous variant.
Genome position (GRCh38, 1-based): chr12:124,912,413, A>G on the plus strand (T>C on the coding strand, the complement: UBC is on the minus strand). VCF-style: chr12-124912413-A-G. GRCh37 (hg19) VCF-style: chr12-125396959-A-G.
Identifiers: ClinVar variation 4084010 (VCV004084010.8).
Genomic context (GRCh38, chr12:124,912,413, plus strand): 5'-CACTTCGAGAGTGATGGTCTTACCAGTCAGGGTCTTCACGAAGATCTGCATCCCACCTCT[A>G]AGACGGAGCACCAGGTGCAGGGTGGACTCTTTCTGGATGTTGTAGTCAGACAGGGTGCGT-3'
Protein context (NP_066289.3, residues 443-463): KESTLHLVLR[Leu453=]RGGMQIFVKT